The following is an entry in ClinVar:

NM_020366.4(RPGRIP1):c.787G>T (p.Ala263Ser)

Gene: RPGRIP1 (RPGR interacting protein 1; plus strand). Cytogenetic location: 14q11.2.
Variant type: single nucleotide variant.
Coding change: c.787G>T on transcript NM_020366.4 (MANE Select); coding-DNA position 787, G replaced by T.
Protein change: p.Ala263Ser; replaces alanine 263 with serine.
Molecular consequence: missense variant.
Genome position (GRCh38, 1-based): chr14:21,303,530, G>T. VCF-style: chr14-21303530-G-T. GRCh37 (hg19) VCF-style: chr14-21771689-G-T.
Other names: short protein forms A263S.
Identifiers: ClinVar variation 836429 (VCV000836429.14), dbSNP rs780673799, ClinGen allele CA7088742.

ClinVar aggregate classification (germline): Uncertain significance. Review status: criteria provided, multiple submitters, no conflicts (2 of 4 stars). 5 submissions from 4 submitters: Uncertain significance (5). Last evaluated 2024-09-03.

Conditions:
Cone-rod dystrophy 13 (CORD13). Identifiers: Orphanet 1872, MedGen C2750720, MONDO:0011987, OMIM 608194.
Leber congenital amaurosis 6 (LCA6). Identifiers: Orphanet 65, MedGen C1854260, MONDO:0013446, OMIM 613826.

Allele frequency attached by ClinVar (database versions not stated): gnomAD exomes 0.00002 and 0.00011; ExAC 0.00003; gnomAD 0.00003; TOPMed 0.00003.
gnomAD v4.1: 158 of 1,613,220 alleles (0.0098%); highest among the groups gnomAD compares: Non-Finnish European, 0.013%; no homozygotes.

Submissions (5):

Blueprint Genetics
Classification: Uncertain significance. Last evaluated: 2024-09-03. Review status: criteria provided, single submitter. Criteria: ACMG Guidelines, 2015. Collection method: clinical testing. Allele origin: germline.

Labcorp Genetics (formerly Invitae), Labcorp
Classification: Uncertain significance for Leber congenital amaurosis 6; Cone-rod dystrophy 13. Last evaluated: 2022-08-22. Review status: criteria provided, single submitter. Criteria: Invitae Variant Classification Sherloc (09022015). Collection method: clinical testing. Allele origin: germline.
Comment: In summary, the available evidence is currently insufficient to determine the role of this variant in disease. Therefore, it has been classified as a Variant of Uncertain Significance. Algorithms developed to predict the effect of missense changes on protein structure and function are either unavailable or do not agree on the potential impact of this missense change (SIFT: "Tolerated"; PolyPhen-2: "Probably Damaging"; Align-GVGD: "Class C0"). ClinVar contains an entry for this variant (Variation ID: 836429). This variant has not been reported in the literature in individuals affected with RPGRIP1-related conditions. This variant is present in population databases (rs780673799, gnomAD 0.005%). This sequence change replaces alanine, which is neutral and non-polar, with serine, which is neutral and polar, at codon 263 of the RPGRIP1 protein (p.Ala263Ser).

Genome-Nilou Lab
Classification: Uncertain significance for Leber congenital amaurosis 6. Last evaluated: 2021-11-07. Review status: criteria provided, single submitter. Criteria: ACMG Guidelines, 2015. Collection method: clinical testing. Allele origin: germline. Affected: no.

Genome-Nilou Lab
Classification: Uncertain significance for Cone-rod dystrophy 13. Last evaluated: 2021-11-07. Review status: criteria provided, single submitter. Criteria: ACMG Guidelines, 2015. Collection method: clinical testing. Allele origin: germline. Affected: no.

GeneDx
Classification: Uncertain significance. Last evaluated: 2019-03-25. Review status: criteria provided, single submitter. Criteria: GeneDx Variant Classification Process June 2021. Collection method: clinical testing. Allele origin: germline. Affected: yes.
Comment: In silico analysis, which includes protein predictors and evolutionary conservation, supports that this variant does not alter protein structure/function; Has not been previously published as pathogenic or benign to our knowledge